The following is an entry in ClinVar:

NM_004625.4(WNT7A):c.171C>T (p.Asp57=)

Gene: WNT7A (Wnt family member 7A; minus strand). Cytogenetic location: 3p25.1.
Variant type: single nucleotide variant.
Coding change: c.171C>T on transcript NM_004625.4 (MANE Select); coding-DNA position 171, C replaced by T.
Protein change: p.Asp57=; no amino-acid change (aspartic acid 57 retained).
Molecular consequence: synonymous variant.
Genome position (GRCh38, 1-based): chr3:13,875,074, G>A on the plus strand (C>T on the coding strand, the complement: WNT7A is on the minus strand). VCF-style: chr3-13875074-G-A. GRCh37 (hg19) VCF-style: chr3-13916571-G-A.
Identifiers: ClinVar variation 726320 (VCV000726320.6), dbSNP rs766374751, ClinGen allele CA2266539.

ClinVar aggregate classification (germline): Likely benign. Review status: criteria provided, multiple submitters, no conflicts (2 of 4 stars). 3 submissions from 3 submitters: Likely benign (2). 1 of the submissions does not count toward it. Last evaluated 2017-11-29.

Conditions:
WNT7A-related disorder. Also called: WNT7A-related condition.

Allele frequency attached by ClinVar (database versions not stated): gnomAD 0.00010; TOPMed 0.00009.
gnomAD v4.1: 81 of 1,614,108 alleles (0.005%); highest among the groups gnomAD compares: Admixed American, 0.067%; 1 homozygote.

Submissions (3):

Labcorp Genetics (formerly Invitae), Labcorp
Classification: Likely benign. Last evaluated: 2017-11-29. Review status: criteria provided, single submitter. Criteria: Invitae Variant Classification Sherloc (09022015). Collection method: clinical testing. Allele origin: germline.

Breakthrough Genomics
Classification: Likely benign. Review status: criteria provided, single submitter. Criteria: ACMG Guidelines, 2015. Collection method: not provided. Allele origin: germline. Inheritance: Autosomal recessive inheritance. Affected: yes.

PreventionGenetics, part of Exact Sciences
Classification: Likely benign for WNT7A-related condition. Last evaluated: 2019-07-15. Review status: no assertion criteria provided. Collection method: clinical testing. Allele origin: germline. Not counted in ClinVar's aggregate classification.
Comment: This variant is classified as likely benign based on ACMG/AMP sequence variant interpretation guidelines (Richards et al. 2015 PMID: 25741868, with internal and published modifications).